The following is an entry in ClinVar:

ClinVar aggregate classification (germline): Uncertain significance (1 of 4 stars; one submission).

gnomAD v4.1: 1 of 1,613,762 alleles (0.000062%); highest among the groups gnomAD compares: Non-Finnish European, 0.000085%; no homozygotes.

Submission:

Labcorp Genetics (formerly Invitae), Labcorp
Classification: Uncertain significance. Last evaluated: 2024-07-01. Review status: criteria provided, single submitter. Criteria: Invitae Variant Classification Sherloc (09022015). Collection method: clinical testing. Allele origin: germline.
Comment: This sequence change replaces serine, which is neutral and polar, with asparagine, which is neutral and polar, at codon 189 of the GATAD2B protein (p.Ser189Asn). This variant is not present in population databases (gnomAD no frequency). This variant has not been reported in the literature in individuals affected with GATAD2B-related conditions. Advanced modeling of protein sequence and biophysical properties (such as structural, functional, and spatial information, amino acid conservation, physicochemical variation, residue mobility, and thermodynamic stability) performed at Invitae indicates that this missense variant is expected to disrupt GATAD2B protein function with a positive predictive value of 80%. In summary, the available evidence is currently insufficient to determine the role of this variant in disease. Therefore, it has been classified as a Variant of Uncertain Significance.

NM_020699.4(GATAD2B):c.566G>A (p.Ser189Asn)

Gene: GATAD2B (GATA zinc finger domain containing 2B; minus strand). Cytogenetic location: 1q21.3.
Variant type: single nucleotide variant.
Coding change: c.566G>A on transcript NM_020699.4 (MANE Select); coding-DNA position 566, G replaced by A.
Protein change: p.Ser189Asn; replaces serine 189 with asparagine.
Molecular consequence: missense variant.
Genome position (GRCh38, 1-based): chr1:153,818,822, C>T on the plus strand (G>A on the coding strand, the complement: GATAD2B is on the minus strand). VCF-style: chr1-153818822-C-T. GRCh37 (hg19) VCF-style: chr1-153791298-C-T.
Other names: short protein forms S189N.
Identifiers: ClinVar variation 3658400 (VCV003658400.2).
Genomic context (GRCh38, chr1:153,818,822, plus strand): 5'-CTTAGTCCCTTATTTCTAGGGCACATTACCTTCTGGACCACATTCTCTTTCTGTAGCTGA[C>T]TCTGTCTCAGTTTCTTTAACAGGACCAGTCGGGCTTCTTCCAATCGTAGCTCATCCCTCA-3'
Protein context (NP_065750.1, residues 179-199): RLVLLKKLRQ[Ser189Asn]QLQKENVVQK